The following is an entry in ClinVar:

ClinVar aggregate classification (germline): Benign/Likely benign. Review status: criteria provided, multiple submitters, no conflicts (2 of 4 stars). 2 submissions from 2 submitters: Benign (1); Likely benign (1). Last evaluated 2018-08-14.

Conditions:
ALDH18A1-related de Barsy syndrome. Also called: Cutis laxa, autosomal recessive IIIA; DE BARSY SYNDROME A. Identifiers: Orphanet 2962, Orphanet 35664, MedGen C5234852, MONDO:0009053, OMIM 219150.

Allele frequency attached by ClinVar (database versions not stated): gnomAD exomes 0.00052; gnomAD 0.00510 and 0.00549; TOPMed 0.00570; 1000 Genomes Project 30x 0.00578; 1000 Genomes Project 0.00619.
gnomAD v4.1: 1,566 of 1,613,664 alleles (0.097%); highest among the groups gnomAD compares: African/African-American, 1.8%; 15 homozygotes.

Submissions (2):

GeneDx
Classification: Likely benign. Last evaluated: 2018-08-14. Review status: criteria provided, single submitter. Criteria: GeneDx Variant Classification Process June 2021. Collection method: clinical testing. Allele origin: germline. Affected: yes.

Illumina Laboratory Services, Illumina
Classification: Benign for ALDH18A1-related de Barsy syndrome. Last evaluated: 2018-01-13. Review status: criteria provided, single submitter. Criteria: ICSL Variant Classification Criteria 13 December 2019. Collection method: clinical testing. Allele origin: germline.
Comment: This variant was observed in the ICSL laboratory as part of a predisposition screen in an ostensibly healthy population. It had not been previously curated by ICSL or reported in the Human Gene Mutation Database (HGMD: prior to June 1st, 2018), and was therefore a candidate for classification through an automated scoring system. Utilizing variant allele frequency, disease prevalence and penetrance estimates, and inheritance mode, an automated score was calculated to assess if this variant is too frequent to cause the disease. Based on the score and internal cut-off values, a variant classified as benign is not then subjected to further curation. The score for this variant resulted in a classification of benign for this disease.

NM_002860.4(ALDH18A1):c.*56T>A

Gene: ALDH18A1 (aldehyde dehydrogenase 18 family member A1; minus strand). Cytogenetic location: 10q24.1.
Variant type: single nucleotide variant.
Coding change: c.*56T>A on transcript NM_002860.4 (MANE Select); 56 bases downstream of the stop codon, T replaced by A.
Molecular consequence: 3 prime UTR variant.
Genome position (GRCh38, 1-based): chr10:95,606,706, A>T on the plus strand (T>A on the coding strand, the complement: ALDH18A1 is on the minus strand). VCF-style: chr10-95606706-A-T. GRCh37 (hg19) VCF-style: chr10-97366463-A-T.
Other names: c.*56T>A (NM_001017423.2, NM_001323412.2, NM_001323413.2 and 6 more transcripts).
Identifiers: ClinVar variation 301755 (VCV000301755.8), dbSNP rs114393346, ClinGen allele CA10632952.